The following is an entry in ClinVar:

ClinVar aggregate classification (germline): Pathogenic (1 of 4 stars; one submission).

Conditions:
Developmental and epileptic encephalopathy. Identifiers: MedGen C5779964, MONDO:0100620.

Submission:

Labcorp Genetics (formerly Invitae), Labcorp
Classification: Pathogenic for Early-infantile DEE. Last evaluated: 2016-05-24. Review status: criteria provided, single submitter. Criteria: Invitae Variant Classification Sherloc (09022015). Collection method: clinical testing. Allele origin: germline.
Comment: This sequence change replaces cysteine with phenylalanine at codon 1354 of the SCN1A protein (p.Cys1354Phe). The cysteine residue is highly conserved and there is a large physicochemical difference between cysteine and phenylalanine. A different variant at this codon, c.4061G>A (p.Cys1354Tyr) is reported in a patient with Dravet syndrome (PMID: 25459968). In addition, other variants adjacent to this codon, (p.Leu1352pro), (p.VAl1353Leu), (p.Leu1355Pro), and (p.Phe1357leu), have all been seen in individuals affected with epilepsy (PMID: 26096185, 11254444, 14738421, 23195492), however the clinical significance of these variants is unknown. This variant is in the intracellular region of segment 5 of the D3 domain in SCN1A, at a cysteine residue that is highly conserved across ion channel genes (PMID: 18804930, 22581653). Algorithms developed to predict the effect of missense changes on protein structure and function (SIFT, PolyPhen-2, Align-GVGD) all suggest that this variant is likely to be disruptive, but these predictions have not been confirmed by published functional studies. For these reasons, this variant has been classified as Pathogenic.

NM_001165963.4(SCN1A):c.4061G>T (p.Cys1354Phe)

Genes: SCN1A (sodium voltage-gated channel alpha subunit 1; minus strand), LOC102724058 (uncharacterized LOC102724058; plus strand). Cytogenetic location: 2q24.3.
Variant type: single nucleotide variant.
Coding change: c.4061G>T on transcript NM_001165963.4 (MANE Select); coding-DNA position 4061, G replaced by T.
Protein change: p.Cys1354Phe; replaces cysteine 1354 with phenylalanine.
Molecular consequence: missense variant. On other transcripts: non-coding transcript variant (1).
Genome position (GRCh38, 1-based): chr2:166,002,695, C>A on the plus strand (G>T on the coding strand, the complement: SCN1A is on the minus strand). VCF-style: chr2-166002695-C-A. GRCh37 (hg19) VCF-style: chr2-166859205-C-A.
Other names: c.3977G>T, p.Cys1326Phe (NM_001165964.3, NM_001353957.2, NM_001353958.2); c.4061G>T, p.Cys1354Phe (NM_001202435.3, NM_001353948.2); c.4028G>T, p.Cys1343Phe (NM_001353949.2, NM_001353950.2, NM_001353951.2 and 2 more transcripts); c.4025G>T, p.Cys1342Phe (NM_001353954.2, NM_001353955.2); c.3974G>T, p.Cys1325Phe (NM_001353960.2); c.1619G>T, p.Cys540Phe (NM_001353961.2); short protein forms C1343F, C1354F, C1342F, C540F, C1325F, C1326F.
Identifiers: ClinVar variation 408922 (VCV000408922.2), dbSNP rs1057521537, ClinGen allele CA16610188.
Genomic context (GRCh38, chr2:166,002,695, plus strand): 5'-TAGAATTTGCCAGCAAACAAATTTACGCCCATGATGCTGAAAATTAGCCAGAATATAAGA[C>A]AAACCAGAAGCACATTCATGATGGATGGAATTGCTCCTAAAAGGGCATTCACAACCACCT-3'
Protein context (NP_001159435.1, residues 1344-1364): IPSIMNVLLV[Cys1354Phe]LIFWLIFSIM